The following is an entry in ClinVar:

NM_012338.4(TSPAN12):c.667C>A (p.Leu223Met)

Gene: TSPAN12 (tetraspanin 12; minus strand). Cytogenetic location: 7q31.31.
Variant type: single nucleotide variant.
Coding change: c.667C>A on transcript NM_012338.4 (MANE Select); coding-DNA position 667, C replaced by A.
Protein change: p.Leu223Met; replaces leucine 223 with methionine.
Molecular consequence: missense variant.
Genome position (GRCh38, 1-based): chr7:120,788,843, G>T on the plus strand (C>A on the coding strand, the complement: TSPAN12 is on the minus strand). VCF-style: chr7-120788843-G-T. GRCh37 (hg19) VCF-style: chr7-120428897-G-T.
Other names: short protein forms L223M.
Identifiers: ClinVar variation 1030249 (VCV001030249.9), dbSNP rs754107565, ClinGen allele CA4453824.

ClinVar aggregate classification (germline): Uncertain significance. Review status: criteria provided, multiple submitters, no conflicts (2 of 4 stars). 3 submissions from 3 submitters: Uncertain significance (3). Last evaluated 2025-10-15.

Conditions:
Exudative vitreoretinopathy 5 (EVR5). Identifiers: Orphanet 891, MedGen C2750079, MONDO:0013218, OMIM 613310.

Allele frequency attached by ClinVar (database versions not stated): gnomAD exomes 0.00001; ExAC 0.00002; TOPMed 0.00002; gnomAD 0.00003.
gnomAD v4.1: 14 of 1,613,998 alleles (0.00087%); highest among the groups gnomAD compares: African/African-American, 0.013%; no homozygotes.

Submissions (3):

Labcorp Genetics (formerly Invitae), Labcorp
Classification: Uncertain significance. Last evaluated: 2025-10-15. Review status: criteria provided, single submitter. Criteria: Invitae Variant Classification Sherloc (09022015). Collection method: clinical testing. Allele origin: germline.
Comment: This sequence change replaces leucine, which is neutral and non-polar, with methionine, which is neutral and non-polar, at codon 223 of the TSPAN12 protein (p.Leu223Met). This variant is present in population databases (rs754107565, gnomAD 0.01%). This variant has not been reported in the literature in individuals affected with TSPAN12-related conditions. ClinVar contains an entry for this variant (Variation ID: 1030249). Invitae Evidence Modeling of protein sequence and biophysical properties (such as structural, functional, and spatial information, amino acid conservation, physicochemical variation, residue mobility, and thermodynamic stability) indicates that this missense variant is not expected to disrupt TSPAN12 protein function with a negative predictive value of 80%. In summary, the available evidence is currently insufficient to determine the role of this variant in disease. Therefore, it has been classified as a Variant of Uncertain Significance.

Baylor Genetics
Classification: Uncertain significance for Exudative vitreoretinopathy 5. Last evaluated: 2020-02-04. Review status: criteria provided, single submitter. Criteria: ACMG Guidelines, 2015. Collection method: clinical testing. Allele origin: unknown. Affected: yes.
Comment: This variant was determined to be of uncertain significance according to ACMG Guidelines, 2015 [PMID:25741868].

Blueprint Genetics
Classification: Uncertain significance. Last evaluated: 2019-03-14. Review status: criteria provided, single submitter. Criteria: ACMG Guidelines, 2015. Collection method: clinical testing. Allele origin: germline.